The following is an entry in ClinVar:

NM_006236.3(POU3F3):c.560G>A (p.Trp187Ter)

Gene: POU3F3 (POU class 3 homeobox 3; plus strand). Cytogenetic location: 2q12.1.
Variant type: single nucleotide variant.
Coding change: c.560G>A on transcript NM_006236.3 (MANE Select); coding-DNA position 560, G replaced by A.
Protein change: p.Trp187Ter; replaces tryptophan 187 with a stop codon.
Molecular consequence: nonsense.
Genome position (GRCh38, 1-based): chr2:104,856,070, G>A. VCF-style: chr2-104856070-G-A. GRCh37 (hg19) VCF-style: chr2-105472528-G-A.
Other names: short protein forms W187*.
Identifiers: ClinVar variation 4071611 (VCV004071611.1).

ClinVar aggregate classification (germline): Likely pathogenic (1 of 4 stars; one submission).

Submission:

GeneDx
Classification: Likely pathogenic. Last evaluated: 2025-01-25. Review status: criteria provided, single submitter. Criteria: GeneDx Variant Classification Process June 2021. Collection method: clinical testing. Allele origin: germline. Affected: yes.
Comment: Has not been previously published as pathogenic or benign to our knowledge; Nonsense variant predicted to result in protein truncation, as the last 314 amino acids are lost, and other loss-of-function variants have been reported downstream in HGMD; Not observed at significant frequency in large population cohorts (gnomAD)